The following is an entry in ClinVar:

ClinVar aggregate classification (germline): Likely benign (1 of 4 stars; one submission).

gnomAD v4.1: 6,380 of 1,614,000 alleles (0.4%); highest among the groups gnomAD compares: Non-Finnish European, 0.45%; 21 homozygotes.

Submission:

CeGaT Center for Human Genetics Tuebingen
Classification: Likely benign. Last evaluated: 2026-05-01. Review status: criteria provided, single submitter. Criteria: CeGaT Center For Human Genetics Tuebingen Variant Classification Criteria Version 2. Collection method: clinical testing. Allele origin: germline. Affected: yes. Observed: 2 variant alleles.
Comment: MAST4: BS2

NM_001164664.2(MAST4):c.5345G>A (p.Arg1782Lys)

Gene: MAST4 (microtubule associated serine/threonine kinase family member 4; plus strand). Cytogenetic location: 5q12.3.
Variant type: single nucleotide variant.
Coding change: c.5345G>A on transcript NM_001164664.2 (MANE Select); coding-DNA position 5345, G replaced by A.
Protein change: p.Arg1782Lys; replaces arginine 1782 with lysine.
Molecular consequence: missense variant.
Genome position (GRCh38, 1-based): chr5:67,164,524, G>A. VCF-style: chr5-67164524-G-A. GRCh37 (hg19) VCF-style: chr5-66460352-G-A.
Other names: c.4727G>A, p.Arg1576Lys (NM_001290226.2); c.4562G>A, p.Arg1521Lys (NM_001290227.2, NM_001393527.1); c.4763G>A, p.Arg1588Lys (NM_001297651.2); c.5354G>A, p.Arg1785Lys (NM_001393524.1); c.5144G>A, p.Arg1715Lys (NM_001393525.1); c.4577G>A, p.Arg1526Lys (NM_001393526.1); c.4541G>A, p.Arg1514Lys (NM_001393528.1); c.4778G>A, p.Arg1593Lys (NM_015183.3); short protein forms R1514K, R1521K, R1526K, R1576K, R1588K, R1593K, R1715K, R1782K.
Identifiers: ClinVar variation 3904809 (VCV003904809.10).
Genomic context (GRCh38, chr5:67,164,524, plus strand): 5'-CAGGCCGGGTGGACAGTGGAACGGAGAAGCCTGGCTTGGTTGCTCCTGAGTCCCCTGTTA[G>A]GAAGAGCCCCTCCGAGTATAAGCTGGAAGGTAGGTCTGTCTCATGCCTGAAGCCGATCGA-3'
Protein context (NP_001158136.1, residues 1772-1792): PGLVAPESPV[Arg1782Lys]KSPSEYKLEG